The following is an entry in ClinVar:

NM_207352.4(CYP4V2):c.296T>C (p.Met99Thr)

Gene: CYP4V2 (cytochrome P450 family 4 subfamily V member 2; plus strand). Cytogenetic location: 4q35.1.
Variant type: single nucleotide variant.
Coding change: c.296T>C on transcript NM_207352.4 (MANE Select); coding-DNA position 296, T replaced by C.
Protein change: p.Met99Thr; replaces methionine 99 with threonine.
Molecular consequence: missense variant.
Genome position (GRCh38, 1-based): chr4:186,194,581, T>C. VCF-style: chr4-186194581-T-C. GRCh37 (hg19) VCF-style: chr4-187115735-T-C.
Other names: short protein forms M99T.
Identifiers: ClinVar variation 850690 (VCV000850690.5), dbSNP rs751065501, ClinGen allele CA3162492.

ClinVar aggregate classification (germline): Uncertain significance (1 of 4 stars; one submission).

Allele frequency attached by ClinVar (database versions not stated): gnomAD 0.00002; TOPMed 0.00003; ExAC 0.00005; gnomAD exomes 0.00005 and 0.00007.
gnomAD v4.1: 102 of 1,614,062 alleles (0.0063%); highest among the groups gnomAD compares: Admixed American, 0.0083%; no homozygotes.

Submission:

Labcorp Genetics (formerly Invitae), Labcorp
Classification: Uncertain significance. Last evaluated: 2023-11-13. Review status: criteria provided, single submitter. Criteria: Invitae Variant Classification Sherloc (09022015). Collection method: clinical testing. Allele origin: germline.
Comment: This sequence change replaces methionine, which is neutral and non-polar, with threonine, which is neutral and polar, at codon 99 of the CYP4V2 protein (p.Met99Thr). This variant is present in population databases (rs751065501, gnomAD 0.009%). This variant has not been reported in the literature in individuals affected with CYP4V2-related conditions. ClinVar contains an entry for this variant (Variation ID: 850690). Advanced modeling of protein sequence and biophysical properties (such as structural, functional, and spatial information, amino acid conservation, physicochemical variation, residue mobility, and thermodynamic stability) has been performed at Invitae for this missense variant, however the output from this modeling did not meet the statistical confidence thresholds required to predict the impact of this variant on CYP4V2 protein function. In summary, the available evidence is currently insufficient to determine the role of this variant in disease. Therefore, it has been classified as a Variant of Uncertain Significance.